The following is an entry in ClinVar:

NM_017775.4(TTC19):c.581+1_581+5del

Gene: TTC19 (tetratricopeptide repeat domain 19; plus strand). Cytogenetic location: 17p12.
Variant type: Deletion.
Coding change: c.581+1_581+5del on transcript NM_017775.4 (MANE Select); the canonical splice donor site of the intron after coding-DNA position 581 through 5 bases into the intron after coding-DNA position 581, 5 bases deleted (GTAAG; older notation c.581+1_581+5delGTAAG).
Molecular consequence: splice donor variant.
Genome position (GRCh38, 1-based): chr17:16,004,263-16,004,267, GTAAG deleted; deleting any 5 consecutive bases within chr17:16,004,261-16,004,267 gives the same sequence; the c. name uses the placement nearest the transcript's 3' end. VCF-style (leftmost placement, unchanged base first): chr17-16004260-CAGGTA-C. GRCh37 (hg19) VCF-style: chr17-15907574-CAGGTA-C.
Other names: c.260+1_260+5del (NM_001271420.2).
Identifiers: ClinVar variation 873487 (VCV000873487.4), dbSNP rs1970827483, ClinGen allele CA1139665235.

ClinVar aggregate classification (germline): Likely pathogenic (1 of 4 stars; one submission).

Conditions:
Mitochondrial complex III deficiency nuclear type 2. Identifiers: MedGen C3554605, MONDO:0014063, OMIM 615157.

Submission:

Illumina Laboratory Services, Illumina
Classification: Likely pathogenic for TTC19-related mitochondrial respiratory chain complex III deficiency. Last evaluated: 2020-01-13. Review status: criteria provided, single submitter. Criteria: ICSLVariantClassificationCriteria RUGD 01 April 2020. Collection method: clinical testing. Allele origin: unknown.
Comment: The TTC19 c.581+1_581+5delGTAAG variant occurs in a canonical splice site (donor) and is therefore predicted to disrupt or distort the normal gene product. A literature search was performed for the gene and cDNA change. No publications were found based on this search. This variant is not found in the Genome Aggregation Database and is in a region of good sequencing coverage, so the variant is presumed to be rare. Based on the predicted altered gene product, its rarity, and application of the ACMG criteria, the TTC19 c.581+1_581+5delGTAAG variant is classified as likely pathogenic for TTC19-related mitochondrial respiratory chain complex III deficiency.